The following is an entry in ClinVar:

ClinVar aggregate classification (germline): Uncertain significance. Review status: criteria provided, multiple submitters, no conflicts (2 of 4 stars). 4 submissions from 4 submitters: Uncertain significance (4). Last evaluated 2026-02-20.

Conditions:
Hereditary cancer-predisposing syndrome. Also called: Hereditary neoplastic syndrome; Neoplastic Syndromes, Hereditary; Tumor predisposition; Hereditary Cancer Syndrome. Identifiers: Orphanet 140162, MedGen C0027672, MeSH D009386, MONDO:0015356.
Neuroblastoma, susceptibility to, 3. Also called: ALK-Related Neuroblastic Tumor Susceptibility. Identifiers: Orphanet 635, MedGen C2751681, MONDO:0013083, OMIM 613014.

Allele frequency attached by ClinVar (database versions not stated): ExAC 0.00001; gnomAD 0.00001; gnomAD exomes 0.00001 and 0.00003; TOPMed 0.00002.
gnomAD v4.1: 44 of 1,614,022 alleles (0.0027%); highest among the groups gnomAD compares: Non-Finnish European, 0.0033%; no homozygotes.

Submissions (4):

St. Jude Molecular Pathology, St. Jude Children's Research Hospital
Classification: Uncertain significance for Neuroblastoma, susceptibility to, 3. Last evaluated: 2026-02-20. Review status: criteria provided, single submitter. Criteria: St. Jude Assertion Criteria 2020. Collection method: clinical testing. Allele origin: germline.
Comment: The ALK c.2144G>A p.(Gly715Glu) missense change has a maximum subpopulation frequency of 0.0023% in gnomAD v2.1.1. The in silico tool REVEL predicts is inconclusive about a pathogenic or benign effect of this variant on protein function, and to our knowledge functional studies have not been performed. To our knowledge, this variant has not been reported in individuals with ALK-related neuroblastic tumor susceptibility. In summary, the evidence currently available is insufficient to determine the clinical significance of this variant. It has therefore been classified as of uncertain significance.

Labcorp Genetics (formerly Invitae), Labcorp
Classification: Uncertain significance for Neuroblastoma, susceptibility to, 3. Last evaluated: 2026-02-03. Review status: criteria provided, single submitter. Criteria: Invitae Variant Classification Sherloc (09022015). Collection method: clinical testing. Allele origin: germline.
Comment: This sequence change replaces glycine, which is neutral and non-polar, with glutamic acid, which is acidic and polar, at codon 715 of the ALK protein (p.Gly715Glu). This variant is present in population databases (rs763862465, gnomAD 0.002%). This variant has not been reported in the literature in individuals affected with ALK-related conditions. ClinVar contains an entry for this variant (Variation ID: 1000895). An algorithm developed to predict the effect of missense changes on protein structure and function (PolyPhen-2) suggests that this variant is likely to be disruptive. In summary, the available evidence is currently insufficient to determine the role of this variant in disease. Therefore, it has been classified as a Variant of Uncertain Significance.

Ambry Genetics
Classification: Uncertain significance for Hereditary cancer-predisposing syndrome. Last evaluated: 2025-02-06. Review status: criteria provided, single submitter. Criteria: Ambry Variant Classification Scheme 2023. Collection method: clinical testing. Allele origin: germline.
Comment: The p.G715E variant (also known as c.2144G>A), located in coding exon 12 of the ALK gene, results from a G to A substitution at nucleotide position 2144. The glycine at codon 715 is replaced by glutamic acid, an amino acid with similar properties. This amino acid position is conserved. In addition, this alteration is predicted to be deleterious by in silico analysis. Since supporting evidence is limited at this time, the clinical significance of this alteration remains unclear.

Baylor Genetics
Classification: Uncertain significance for Neuroblastoma, susceptibility to, 3. Last evaluated: 2024-03-15. Review status: criteria provided, single submitter. Criteria: ACMG Guidelines, 2015. Collection method: clinical testing. Allele origin: unknown.

NM_004304.5(ALK):c.2144G>A (p.Gly715Glu)

Gene: ALK (ALK receptor tyrosine kinase; minus strand). Cytogenetic location: 2p23.2.
Variant type: single nucleotide variant.
Coding change: c.2144G>A on transcript NM_004304.5 (MANE Select); coding-DNA position 2144, G replaced by A.
Protein change: p.Gly715Glu; replaces glycine 715 with glutamic acid.
Molecular consequence: missense variant.
Genome position (GRCh38, 1-based): chr2:29,251,165, C>T on the plus strand (G>A on the coding strand, the complement: ALK is on the minus strand). VCF-style: chr2-29251165-C-T. GRCh37 (hg19) VCF-style: chr2-29474031-C-T.
Other names: short protein forms G715E.
Identifiers: ClinVar variation 1000895 (VCV001000895.14), dbSNP rs763862465, ClinGen allele CA1594426.